The following is an entry in ClinVar:

NM_000535.7(PMS2):c.986C>T (p.Ser329Leu)

Gene: PMS2 (PMS1 homolog 2, mismatch repair system component; minus strand). Cytogenetic location: 7p22.1.
Variant type: single nucleotide variant.
Coding change: c.986C>T on transcript NM_000535.7 (MANE Select); coding-DNA position 986, C replaced by T.
Protein change: p.Ser329Leu; replaces serine 329 with leucine.
Molecular consequence: missense variant. On other transcripts: non-coding transcript variant (1).
Genome position (GRCh38, 1-based): chr7:5,991,975, G>A on the plus strand (C>T on the coding strand, the complement: PMS2 is on the minus strand). VCF-style: chr7-5991975-G-A. GRCh37 (hg19) VCF-style: chr7-6031606-G-A.
Other names: c.581C>T, p.Ser194Leu (NM_001322003.2, NM_001322004.2, NM_001322005.2 and 2 more transcripts); c.986C>T, p.Ser329Leu (NM_001322006.2, NM_001322014.2); c.668C>T, p.Ser223Leu (NM_001322007.2, NM_001322008.2); c.53C>T, p.Ser18Leu (NM_001322011.2, NM_001322012.2); c.413C>T, p.Ser138Leu (NM_001322013.2); c.677C>T, p.Ser226Leu (NM_001322015.2); c.986C>T (NM_000535.5); short protein forms S138L, S18L, S194L, S223L, S226L, S329L.
Identifiers: ClinVar variation 1053180 (VCV001053180.7), dbSNP rs1461669945, ClinGen allele CA366743057.
Genomic context (GRCh38, chr7:5,991,975, plus strand): 5'-TCATTTTATTCTTTGAGGCATTAGTCACTAGTTGTACTGAAATGCCAATGGAACTTACCT[G>A]AATCAACAGAAATGTTAAGAACAACAAATGGATACTGGTGTCGATTATACATGTGGTAGA-3'
Protein context (NP_000526.2, residues 319-339): PFVVLNISVD[Ser329Leu]ECVDINVTPD

ClinVar aggregate classification (germline): Uncertain significance. Review status: criteria provided, multiple submitters, no conflicts (2 of 4 stars). 2 submissions from 2 submitters: Uncertain significance (2). Last evaluated 2021-08-26.

Conditions:
Hereditary nonpolyposis colorectal neoplasms. Identifiers: MedGen C0009405, MeSH D003123.
Hereditary cancer-predisposing syndrome. Also called: Tumor predisposition; Hereditary neoplastic syndrome; Hereditary Cancer Syndrome; Neoplastic Syndromes, Hereditary. Identifiers: Orphanet 140162, MedGen C0027672, MeSH D009386, MONDO:0015356.

Allele frequency attached by ClinVar (database versions not stated): TOPMed 0.00001.

Submissions (2):

Labcorp Genetics (formerly Invitae), Labcorp
Classification: Uncertain significance for Hereditary nonpolyposis colorectal neoplasms. Last evaluated: 2021-08-26. Review status: criteria provided, single submitter. Criteria: Invitae Variant Classification Sherloc (09022015). Collection method: clinical testing. Allele origin: germline.
Comment: This sequence change replaces serine with leucine at codon 329 of the PMS2 protein (p.Ser329Leu). The serine residue is moderately conserved and there is a large physicochemical difference between serine and leucine. This variant is not present in population databases (ExAC no frequency). This variant has not been reported in the literature in individuals affected with PMS2-related conditions. Algorithms developed to predict the effect of missense changes on protein structure and function output the following: SIFT: "Tolerated"; PolyPhen-2: "Benign"; Align-GVGD: "Class C0". The leucine amino acid residue is found in multiple mammalian species, which suggests that this missense change does not adversely affect protein function. In summary, the available evidence is currently insufficient to determine the role of this variant in disease. Therefore, it has been classified as a Variant of Uncertain Significance.

Ambry Genetics
Classification: Uncertain significance for Hereditary cancer-predisposing syndrome. Last evaluated: 2017-11-14. Review status: criteria provided, single submitter. Criteria: Ambry Variant Classification Scheme 2023. Collection method: clinical testing. Allele origin: germline.